The following is an entry in ClinVar:

ClinVar aggregate classification (germline): Uncertain significance (1 of 4 stars; one submission).

Conditions:
Progressive myoclonic epilepsy type 3. Also called: KCTD7-Related Progressive Myoclonic Epilepsy; EPILEPSY, PROGRESSIVE MYOCLONIC, 3, WITH OR WITHOUT INTRACELLULAR INCLUSIONS; CEROID LIPOFUSCINOSIS, NEURONAL, 14; EPILEPSY, PROGRESSIVE MYOCLONIC, 3, WITHOUT INTRACELLULAR INCLUSIONS. Identifiers: Orphanet 263516, MedGen C2673257, MONDO:0012721, OMIM 611726.

Submission:

Juno Genomics, Hangzhou Juno Genomics, Inc
Classification: Uncertain significance for Progressive myoclonic epilepsy type 3. Review status: criteria provided, single submitter. Criteria: ACMG Guidelines, 2015. Collection method: clinical testing. Allele origin: germline.
Comment: Absent from controls (or at extremely low frequency if recessive) in Genome Aggregation Database.;Multiple lines of computational evidence suggest no impact on gene or gene product.;For recessive disorders, detected in trans with a pathogenic variant.

NM_153033.5(KCTD7):c.380A>C (p.Lys127Thr)

Gene: KCTD7 (potassium channel tetramerization domain containing 7; plus strand). Cytogenetic location: 7q11.21.
Variant type: single nucleotide variant.
Coding change: c.380A>C on transcript NM_153033.5 (MANE Select); coding-DNA position 380, A replaced by C.
Protein change: p.Lys127Thr; replaces lysine 127 with threonine.
Molecular consequence: missense variant.
Genome position (GRCh38, 1-based): chr7:66,638,318, A>C. VCF-style: chr7-66638318-A-C. GRCh37 (hg19) VCF-style: chr7-66103305-A-C.
Other names: c.380A>C, p.Lys127Thr (NM_001167961.2); short protein forms K127T.
Identifiers: ClinVar variation 5020002 (VCV005020002.2).
Genomic context (GRCh38, chr7:66,638,318, plus strand): 5'-TGCTGAATTTCCTGCGCTCAGGGGACCTCCCACCCAGGGAGCGTGTTCGAGCTGTGTACA[A>C]AGAGGCCCAGTACTATGCCATCGGGCCCCTCCTGGAGCAGCTGGAGAACATGCAGCCACT-3'
Protein context (NP_694578.1, residues 117-137): PPRERVRAVY[Lys127Thr]EAQYYAIGPL